The following is an entry in ClinVar:

NM_001851.6(COL9A1):c.2113-1G>A

Gene: COL9A1 (collagen type IX alpha 1 chain; minus strand). Cytogenetic location: 6q13.
Variant type: single nucleotide variant.
Coding change: c.2113-1G>A on transcript NM_001851.6 (MANE Select); the canonical splice acceptor site of the intron before coding-DNA position 2113, G replaced by A.
Molecular consequence: splice acceptor variant. On other transcripts: intron variant (1).
Genome position (GRCh38, 1-based): chr6:70,234,941, C>T on the plus strand (G>A on the coding strand, the complement: COL9A1 is on the minus strand). VCF-style: chr6-70234941-C-T. GRCh37 (hg19) VCF-style: chr6-70944644-C-T.
Other names: c.1384-348G>A (NM_001377290.1); c.1384-1G>A (NM_078485.4); c.1414-1G>A (NM_001377289.1).
Identifiers: ClinVar variation 4526346 (VCV004526346.1).

ClinVar aggregate classification (germline): Likely pathogenic (1 of 4 stars; one submission).

Submission:

Centre of Medical Genetics, University Hospital Muenster
Classification: Likely pathogenic. Last evaluated: 2024-06-06. Review status: criteria provided, single submitter. Criteria: ACMG Guidelines, 2015. Collection method: clinical testing. Allele origin: unknown. Affected: yes. Observed: 1 variant allele.
Comment: ACMG categories: PVS1,PM2